The following is an entry in ClinVar:

ClinVar aggregate classification (germline): Conflicting classifications of pathogenicity. Review status: criteria provided, conflicting classifications (1 of 4 stars). 2 submissions from 2 submitters: Pathogenic (1); Uncertain significance (1). Last evaluated 2026-01-25.

Allele frequency attached by ClinVar (database versions not stated): ExAC 0.00004; gnomAD 0.00004; TOPMed 0.00004; gnomAD exomes 0.00005; ESP Exome Variant Server 0.00015; 1000 Genomes Project 30x 0.00016; 1000 Genomes Project 0.00020.

Submissions (2):

Labcorp Genetics (formerly Invitae), Labcorp
Classification: Pathogenic. Last evaluated: 2026-01-25. Review status: criteria provided, single submitter. Criteria: Invitae Variant Classification Sherloc (09022015). Collection method: clinical testing. Allele origin: germline.
Comment: This sequence change replaces arginine, which is basic and polar, with cysteine, which is neutral and slightly polar, at codon 127 of the PPA2 protein (p.Arg127Cys). This variant is present in population databases (rs372302682, gnomAD 0.007%). This missense change has been observed in individual(s) with clinical features of PPA2-related conditions (PMID: 33826954). In at least one individual the data is consistent with being in trans (on the opposite chromosome) from a pathogenic variant. ClinVar contains an entry for this variant (Variation ID: 1189243). Invitae Evidence Modeling of protein sequence and biophysical properties (such as structural, functional, and spatial information, amino acid conservation, physicochemical variation, residue mobility, and thermodynamic stability) indicates that this missense variant is expected to disrupt PPA2 protein function with a positive predictive value of 95%. This variant disrupts the p.Arg127 amino acid residue in PPA2. Other variant(s) that disrupt this residue have been determined to be pathogenic (PMID: 27523597; internal data). This suggests that this residue is clinically significant, and that variants that disrupt this residue are likely to be disease-causing. For these reasons, this variant has been classified as Pathogenic.

GeneDx
Classification: Uncertain significance. Last evaluated: 2021-03-12. Review status: criteria provided, single submitter. Criteria: GeneDx Variant Classification Process June 2021. Collection method: clinical testing. Allele origin: germline. Affected: yes.
Comment: Not observed at a significant frequency in large population cohorts (Lek et al., 2016); In silico analysis supports that this missense variant has a deleterious effect on protein structure/function; Has not been previously published as pathogenic or benign to our knowledge; This variant is associated with the following publications: (PMID: 33826954)

Literature cited by the submitters: PubMed 33826954 (cited by Labcorp Genetics (formerly Invitae), Labcorp); PubMed 27523597 (cited by Labcorp Genetics (formerly Invitae), Labcorp).

NM_176869.3(PPA2):c.379C>T (p.Arg127Cys)

Gene: PPA2 (inorganic pyrophosphatase 2; minus strand). Cytogenetic location: 4q24.
Variant type: single nucleotide variant.
Coding change: c.379C>T on transcript NM_176869.3 (MANE Select); coding-DNA position 379, C replaced by T.
Protein change: p.Arg127Cys; replaces arginine 127 with cysteine.
Molecular consequence: missense variant. On other transcripts: intron variant (2).
Genome position (GRCh38, 1-based): chr4:105,446,445, G>A on the plus strand (C>T on the coding strand, the complement: PPA2 is on the minus strand). VCF-style: chr4-105446445-G-A. GRCh37 (hg19) VCF-style: chr4-106367602-G-A.
Other names: c.379C>T, p.Arg127Cys (NM_006903.4); c.157+27449C>T (NM_176867.3); c.222+10236C>T (NM_176866.2); short protein forms R127C.
Identifiers: ClinVar variation 1189243 (VCV001189243.7), dbSNP rs372302682, ClinGen allele CA3032566.